The following is an entry in ClinVar:

ClinVar aggregate classification (germline): Pathogenic (1 of 4 stars; one submission).

Conditions:
Asphyxiating thoracic dystrophy 3. Also called: SHORT-RIB THORACIC DYSPLASIA 3 WITH OR WITHOUT POLYDACTYLY; POLYDACTYLY WITH NEONATAL CHONDRODYSTROPHY, TYPE I; SHORT-RIB THORACIC DYSPLASIA 3/6 WITH POLYDACTYLY, DIGENIC; Short rib polydactyly syndrome 2B; Saldino-Noonan Syndrome. Identifiers: Orphanet 474, Orphanet 93269, Orphanet 93270, Orphanet 93271, MedGen C0036069, MONDO:0013127, OMIM 613091.

Submission:

Myriad Genetics, Inc.
Classification: Pathogenic for Asphyxiating thoracic dystrophy 3. Last evaluated: 2025-12-03. Review status: criteria provided, single submitter. Criteria: Myriad Autosomal Dominant, Autosomal Recessive and X-Linked Classification Criteria (2023). Collection method: clinical testing. Allele origin: unknown.
Comment: NM_001377.2(DYNC2H1):c.6864dupT(L2289Sfs*31) is expected to be pathogenic in the context of DYNC2H1-related disorders. This variant is predicted to lead to an abnormal or absent protein product due to the creation of a premature termination codon in DYNC2H1, a gene where loss-of-function variants are known to be pathogenic. Please note: this variant was assessed in the context of healthy population screening.

NM_001377.3(DYNC2H1):c.6864dup (p.Leu2289fs)

Gene: DYNC2H1 (dynein cytoplasmic 2 heavy chain 1; plus strand). Cytogenetic location: 11q22.3.
Variant type: Duplication.
Coding change: c.6864dup on transcript NM_001377.3 (MANE Select); coding-DNA position 6864, one base duplicated (T; older notation c.6864dupT).
Protein change: p.Leu2289fs; shifts the reading frame from leucine 2289.
Molecular consequence: frameshift variant.
Genome position (GRCh38, 1-based): chr11:103,186,472, T duplicated; the last of 2 consecutive T bases (chr11:103,186,471-103,186,472); duplicating either gives the same sequence. VCF-style (leftmost placement, unchanged base first): chr11-103186470-A-AT. GRCh37 (hg19) VCF-style: chr11-103057199-A-AT.
Other names: c.6864dup, p.Leu2289fs (NM_001080463.2); short protein forms L2289fs.
Identifiers: ClinVar variation 5015286 (VCV005015286.1).
Genomic context (GRCh38, chr11:103,186,470, plus strand): 5'-ATGCAACGAGGTCTAGATTATTTCAAACCATGGTTAAGTTCTGATACTAAACAGCCCTTT[A>AT]TTCTGGTAGGACCAGAAGGATGTGGCAAAGGGTAAGAAAAATATTGGCAAAGGTATATGT-3'